The following is an entry in ClinVar:

NM_032119.4(ADGRV1):c.7129C>T (p.Arg2377Ter)

Gene: ADGRV1 (adhesion G protein-coupled receptor V1; plus strand). Cytogenetic location: 5q14.3.
Variant type: single nucleotide variant.
Coding change: c.7129C>T on transcript NM_032119.4 (MANE Select); coding-DNA position 7129, C replaced by T.
Protein change: p.Arg2377Ter; replaces arginine 2377 with a stop codon.
Molecular consequence: nonsense. On other transcripts: non-coding transcript variant (1).
Genome position (GRCh38, 1-based): chr5:90,692,782, C>T. VCF-style: chr5-90692782-C-T. GRCh37 (hg19) VCF-style: chr5-89988599-C-T.
Other names: short protein forms R2377*.
Identifiers: ClinVar variation 228353 (VCV000228353.15), dbSNP rs758718347, ClinGen allele CA3339967.

ClinVar aggregate classification (germline): Pathogenic/Likely pathogenic. Review status: criteria provided, multiple submitters, no conflicts (2 of 4 stars). 6 submissions from 6 submitters: Pathogenic (5); Likely pathogenic (1). Last evaluated 2026-02-01.

Conditions:
Rare genetic deafness. Identifiers: Orphanet 96210, MedGen C5680250.
ADGRV1-related disorder. Also called: ADGRV1-related disorders; ADGRV1-related condition.
Usher syndrome type 2C. Also called: Usher syndrome, type 2B; USHER SYNDROME, TYPE IIC. Identifiers: Orphanet 231178, Orphanet 886, MedGen C2931213, MONDO:0011558, OMIM 605472.
Febrile seizures, familial, 4 (FEB4). Also called: CONVULSIONS, FAMILIAL FEBRILE, 4. Identifiers: MedGen C1858493, MONDO:0011443, OMIM 604352.

Allele frequency attached by ClinVar (database versions not stated): gnomAD 0.00001; ExAC 0.00002; gnomAD exomes 0.00002.
gnomAD v4.1: 5 of 1,590,102 alleles (0.00031%); highest among the groups gnomAD compares: South Asian, 0.0023%; no homozygotes.

Submissions (6):

CeGaT Center for Human Genetics Tuebingen
Classification: Pathogenic. Last evaluated: 2026-02-01. Review status: criteria provided, single submitter. Criteria: CeGaT Center For Human Genetics Tuebingen Variant Classification Criteria Version 2. Collection method: clinical testing. Allele origin: germline. Affected: yes. Observed: 2 variant alleles.
Comment: ADGRV1: PVS1, PM2

Fulgent Genetics
Classification: Pathogenic for Febrile seizures, familial, 4; Usher syndrome type 2C. Last evaluated: 2024-05-06. Review status: criteria provided, single submitter. Criteria: ACMG Guidelines, 2015. Collection method: clinical testing. Allele origin: germline.

GeneDx
Classification: Likely pathogenic. Last evaluated: 2024-02-13. Review status: criteria provided, single submitter. Criteria: GeneDx Variant Classification Process June 2021. Collection method: clinical testing. Allele origin: germline. Affected: yes.
Comment: Nonsense variant predicted to result in protein truncation or nonsense mediated decay in a gene for which loss of function is a known mechanism of disease; This variant is associated with the following publications: (PMID: 31964843, 33749171, 24498627)

Labcorp Genetics (formerly Invitae), Labcorp
Classification: Pathogenic. Last evaluated: 2023-09-03. Review status: criteria provided, single submitter. Criteria: Invitae Variant Classification Sherloc (09022015). Collection method: clinical testing. Allele origin: germline.
Comment: This sequence change creates a premature translational stop signal (p.Arg2377*) in the ADGRV1 gene. It is expected to result in an absent or disrupted protein product. Loss-of-function variants in ADGRV1 are known to be pathogenic (PMID: 19357117, 22135276, 22147658, 26226137, 30718709, 31047384, 32467589). This variant is present in population databases (rs758718347, gnomAD 0.008%). This premature translational stop signal has been observed in individual(s) with Usher syndrome (PMID: 24498627). ClinVar contains an entry for this variant (Variation ID: 228353). Algorithms developed to predict the effect of sequence changes on RNA splicing suggest that this variant may create or strengthen a splice site. For these reasons, this variant has been classified as Pathogenic.

Blueprint Genetics
Classification: Pathogenic for ADGRV1-related disorders. Last evaluated: 2023-06-26. Review status: criteria provided, single submitter. Criteria: ACMG Guidelines, 2015. Collection method: clinical testing. Allele origin: germline. Affected: yes. Observed: 5 variant alleles.

Laboratory for Molecular Medicine, Mass General Brigham Personalized Medicine
Classification: Pathogenic for Rare genetic deafness. Last evaluated: 2015-06-23. Review status: criteria provided, single submitter. Criteria: LMM Criteria. Collection method: clinical testing. Allele origin: germline. Observed: 2 variant alleles.
Comment: The p.Arg2377X variant in GPR98 has been reported in one individual with Usher s yndrome type 2 (Besnard 2014). It has also been identified in 1/10908 South Asia n chromosomes by the Exome Aggregation Consortium (ExAC). Although this variant has been seen in the general population, its fr equency is low enough to be consistent with a recessive carrier frequency. This nonsense variant leads to a premature termination codon at position 2377, which is predicted to lead to a truncated or absent protein. In summary, this variant meets our criteria to be classified as pathogenic for hearing loss in an autosom al recessive manner based upo n predicted impact to protein.

Literature cited by the submitters: PubMed 19357117 (cited by Labcorp Genetics (formerly Invitae), Labcorp); PubMed 22135276 (cited by Labcorp Genetics (formerly Invitae), Labcorp); PubMed 22147658 (cited by Labcorp Genetics (formerly Invitae), Labcorp); PubMed 26226137 (cited by Labcorp Genetics (formerly Invitae), Labcorp); PubMed 30718709 (cited by Labcorp Genetics (formerly Invitae), Labcorp); PubMed 31047384 (cited by Labcorp Genetics (formerly Invitae), Labcorp); PubMed 32467589 (cited by Labcorp Genetics (formerly Invitae), Labcorp); PubMed 24498627 (cited by Labcorp Genetics (formerly Invitae), Labcorp and Laboratory for Molecular Medicine, Mass General Brigham Personalized Medicine).